The following is an entry in ClinVar:

NM_000091.5(COL4A3):c.2603G>A (p.Gly868Glu)

Genes: COL4A3 (collagen type IV alpha 3 chain; plus strand), MFF-DT (MFF divergent transcript; minus strand). Cytogenetic location: 2q36.3.
Variant type: single nucleotide variant.
Coding change: c.2603G>A on transcript NM_000091.5 (MANE Select); coding-DNA position 2603, G replaced by A.
Protein change: p.Gly868Glu; replaces glycine 868 with glutamic acid.
Molecular consequence: missense variant.
Genome position (GRCh38, 1-based): chr2:227,282,479, G>A. VCF-style: chr2-227282479-G-A. GRCh37 (hg19) VCF-style: chr2-228147195-G-A.
Other names: short protein forms G868E.
Identifiers: ClinVar variation 1177517 (VCV001177517.3), dbSNP rs2072046668, ClinGen allele CA350850585.
Genomic context (GRCh38, chr2:227,282,479, plus strand): 5'-GATCAGGATTTCCTGGAGAAACTGGATCACCAGGAATTCCAGGTCATCAAGGTGAAATGG[G>A]ACCACTGGGTCAAAGAGGATATCCAGGAAATCCGGGAATTTTAGGGCCACCAGGTATCCT-3'
Protein context (NP_000082.2, residues 858-878): PGIPGHQGEM[Gly868Glu]PLGQRGYPGN

ClinVar aggregate classification (germline): Pathogenic (0 of 4 stars; one submission).

Conditions:
Autosomal dominant Alport syndrome (ATS3A). Also called: Alport syndrome dominant type; Renal failure and sensorineural hearing loss; ALPORT SYNDROME 3A, AUTOSOMAL DOMINANT. Identifiers: Orphanet 63, Orphanet 88918, MedGen C5882663, MONDO:0007086, OMIM 104200.

Allele frequency attached by ClinVar (database versions not stated): gnomAD exomes below 0.00001.
gnomAD v4.1: 2 of 1,613,816 alleles (0.00012%); highest among the groups gnomAD compares: Non-Finnish European, 0.00017%; no homozygotes.

Submission:

Zhipeng Lab, Tongji Hospital
Classification: Pathogenic for Autosomal dominant Alport syndrome. Last evaluated: 2021-07-07. Review status: no assertion criteria provided. Collection method: clinical testing. Allele origin: de novo. Inheritance: Autosomal dominant inheritance. Affected: yes.
Comment: The variants in COL4A3 have been reported in Alport syndrome.Here a novel variants (c.2603G>A; p.G868E) has been identified in in a Chinese family with autosomal dominant Alport syndrome by whole exome sequencing.